The following is an entry in ClinVar:

NM_138387.4(G6PC3):c.800C>G (p.Ser267Cys)

Gene: G6PC3 (glucose-6-phosphatase catalytic subunit 3; plus strand). Cytogenetic location: 17q21.31.
Variant type: single nucleotide variant.
Coding change: c.800C>G on transcript NM_138387.4 (MANE Select); coding-DNA position 800, C replaced by G.
Protein change: p.Ser267Cys; replaces serine 267 with cysteine.
Molecular consequence: missense variant. On other transcripts: 3 prime UTR variant (1).
Genome position (GRCh38, 1-based): chr17:44,075,802, C>G. VCF-style: chr17-44075802-C-G. GRCh37 (hg19) VCF-style: chr17-42153170-C-G.
Other names: c.*93C>G (NM_001319945.2); c.455C>G, p.Ser152Cys (NM_001384165.1, NM_001384166.1, NM_001384167.1 and 1 more transcripts); short protein forms S267C, S152C.
Identifiers: ClinVar variation 570187 (VCV000570187.15), dbSNP rs201700844, ClinGen allele CA8596150.

ClinVar aggregate classification (germline): Uncertain significance. Review status: criteria provided, multiple submitters, no conflicts (2 of 4 stars). 3 submissions from 3 submitters: Uncertain significance (3). Last evaluated 2025-01-06.

Conditions:
Autosomal recessive severe congenital neutropenia due to G6PC3 deficiency. Also called: G6PC3 Deficiency; NEUTROPENIA, SEVERE CONGENITAL, 4, AUTOSOMAL RECESSIVE. Identifiers: Orphanet 331176, MedGen C2751630, MONDO:0012930, OMIM 612541.

Allele frequency attached by ClinVar (database versions not stated): ExAC 0.00003; gnomAD exomes 0.00004; gnomAD 0.00013 and 0.00014; TOPMed 0.00015.
gnomAD v4.1: 146 of 1,611,850 alleles (0.0091%); highest among the groups gnomAD compares: Non-Finnish European, 0.012%; no homozygotes.

Submissions (3):

Labcorp Genetics (formerly Invitae), Labcorp
Classification: Uncertain significance for Autosomal recessive severe congenital neutropenia due to G6PC3 deficiency. Last evaluated: 2025-01-06. Review status: criteria provided, single submitter. Criteria: Invitae Variant Classification Sherloc (09022015). Collection method: clinical testing. Allele origin: germline.
Comment: This sequence change replaces serine, which is neutral and polar, with cysteine, which is neutral and slightly polar, at codon 267 of the G6PC3 protein (p.Ser267Cys). This variant is present in population databases (rs201700844, gnomAD 0.01%). This variant has not been reported in the literature in individuals affected with G6PC3-related conditions. ClinVar contains an entry for this variant (Variation ID: 570187). Invitae Evidence Modeling of protein sequence and biophysical properties (such as structural, functional, and spatial information, amino acid conservation, physicochemical variation, residue mobility, and thermodynamic stability) has been performed for this missense variant. However, the output from this modeling did not meet the statistical confidence thresholds required to predict the impact of this variant on G6PC3 protein function. In summary, the available evidence is currently insufficient to determine the role of this variant in disease. Therefore, it has been classified as a Variant of Uncertain Significance.

Blueprint Genetics
Classification: Uncertain significance. Last evaluated: 2023-12-29. Review status: criteria provided, single submitter. Criteria: ACMG Guidelines, 2015. Collection method: clinical testing. Allele origin: germline.

Mayo Clinic Laboratories, Mayo Clinic
Classification: Uncertain significance. Last evaluated: 2021-02-22. Review status: criteria provided, single submitter. Criteria: ACMG Guidelines, 2015. Collection method: clinical testing. Allele origin: germline. Observed: 1 variant allele.